The following is an entry in ClinVar:

NM_015909.4(NBAS):c.3419A>G (p.Gln1140Arg)

Gene: NBAS (NBAS subunit of NRZ tethering complex; minus strand). Cytogenetic location: 2p24.3.
Variant type: single nucleotide variant.
Coding change: c.3419A>G on transcript NM_015909.4 (MANE Select); coding-DNA position 3419, A replaced by G.
Protein change: p.Gln1140Arg; replaces glutamine 1140 with arginine.
Molecular consequence: missense variant. On other transcripts: non-coding transcript variant (1).
Genome position (GRCh38, 1-based): chr2:15,379,773, T>C on the plus strand (A>G on the coding strand, the complement: NBAS is on the minus strand). VCF-style: chr2-15379773-T-C. GRCh37 (hg19) VCF-style: chr2-15519897-T-C.
Other names: c.3419A>G (NM_015909.2); short protein forms Q1140R.
Identifiers: ClinVar variation 2187277 (VCV002187277.3), dbSNP rs1478805870, ClinGen allele CA345897397.

ClinVar aggregate classification (germline): Uncertain significance. Review status: criteria provided, multiple submitters, no conflicts (2 of 4 stars). 2 submissions from 2 submitters: Uncertain significance (2). Last evaluated 2023-06-13.

Conditions:
Inborn genetic diseases. Identifiers: MedGen C0950123, MeSH D030342.

Allele frequency attached by ClinVar (database versions not stated): gnomAD exomes below 0.00001; TOPMed below 0.00001.
gnomAD v4.1: 5 of 1,614,084 alleles (0.00031%); highest among the groups gnomAD compares: African/African-American, 0.0013%; no homozygotes.

Submissions (2):

Ambry Genetics
Classification: Uncertain significance for Inborn genetic diseases. Last evaluated: 2023-06-13. Review status: criteria provided, single submitter. Criteria: Ambry Variant Classification Scheme 2023. Collection method: clinical testing. Allele origin: germline.

Labcorp Genetics (formerly Invitae), Labcorp
Classification: Uncertain significance. Last evaluated: 2022-01-02. Review status: criteria provided, single submitter. Criteria: Invitae Variant Classification Sherloc (09022015). Collection method: clinical testing. Allele origin: germline.
Comment: This sequence change replaces glutamine, which is neutral and polar, with arginine, which is basic and polar, at codon 1140 of the NBAS protein (p.Gln1140Arg). This variant is not present in population databases (gnomAD no frequency). This variant has not been reported in the literature in individuals affected with NBAS-related conditions. Algorithms developed to predict the effect of missense changes on protein structure and function are either unavailable or do not agree on the potential impact of this missense change (SIFT: "Deleterious"; PolyPhen-2: "Benign"; Align-GVGD: "Class C35"). In summary, the available evidence is currently insufficient to determine the role of this variant in disease. Therefore, it has been classified as a Variant of Uncertain Significance.